The following is an entry in ClinVar:

NM_000179.3(MSH6):c.1136del (p.Arg379fs)

Gene: MSH6 (mutS homolog 6; plus strand). Cytogenetic location: 2p16.3.
Variant type: Deletion.
Coding change: c.1136del on transcript NM_000179.3 (MANE Select); coding-DNA position 1136, one base deleted (G; older notation c.1136delG).
Protein change: p.Arg379fs; shifts the reading frame from arginine 379.
Molecular consequence: frameshift variant.
Genome position (GRCh38, 1-based): chr2:47,799,119, G deleted. VCF-style (leftmost placement, unchanged base first): chr2-47799118-AG-A. GRCh37 (hg19) VCF-style: chr2-48026257-AG-A.
Other names: c.746del, p.Arg249fs (NM_001281492.2); c.230del, p.Arg77fs (NM_001281493.2, NM_001281494.2); c.1232delG, p.Arg411Lysfs (NM_001406795.1, NM_001406802.1); c.1136delG, p.Arg379Lysfs (NM_001406796.1, NM_001406798.1, NM_001406800.1 and 4 more transcripts); c.839delG, p.Arg280Lysfs (NM_001406797.1, NM_001406801.1, NM_001406805.1 and 10 more transcripts); c.611delG, p.Arg204Lysfs (NM_001406799.1, NM_001406806.1, NM_001406807.1); c.1058delG, p.Arg353Lysfs (NM_001406804.1); c.230delG, p.Arg77Lysfs (NM_001406811.1, NM_001406812.1, NM_001406814.1 and 4 more transcripts); and 2 more; short protein forms R249fs, R77fs, R379fs.
Identifiers: ClinVar variation 1729797 (VCV001729797.2), dbSNP rs2530591626, ClinGen allele CA2580067498.
Genomic context (GRCh38, chr2:47,799,118, plus strand): 5'-AGTAGTCGCCCTACTGTTTGGTATCATGAAACTTTAGAATGGCTTAAGGAGGAAAAGAGA[AG>A]AGATGAGCACAGGAGGAGGCCTGATCACCCCGATTTTGATGCATCTACACTCTATGTGCC-3'

ClinVar aggregate classification (germline): Pathogenic (1 of 4 stars; one submission).

Conditions:
Hereditary cancer-predisposing syndrome. Also called: Neoplastic Syndromes, Hereditary; Tumor predisposition; Hereditary Cancer Syndrome; Hereditary neoplastic syndrome. Identifiers: Orphanet 140162, MedGen C0027672, MeSH D009386, MONDO:0015356.

Submission:

Ambry Genetics
Classification: Pathogenic for Hereditary cancer-predisposing syndrome. Last evaluated: 2019-08-16. Review status: criteria provided, single submitter. Criteria: Ambry Variant Classification Scheme 2023. Collection method: clinical testing. Allele origin: germline.
Comment: The c.1136delG pathogenic mutation, located in coding exon 4 of the MSH6 gene, results from a deletion of one nucleotide at nucleotide position 1136, causing a translational frameshift with a predicted alternate stop codon (p.R379Kfs*32). This alteration is expected to result in loss of function by premature protein truncation or nonsense-mediated mRNA decay. As such, this alteration is interpreted as a disease-causing mutation.